The following is an entry in ClinVar:

ClinVar aggregate classification (germline): Conflicting classifications of pathogenicity. Review status: criteria provided, conflicting classifications (1 of 4 stars). 5 submissions from 5 submitters: Uncertain significance (1); Likely benign (3). 1 of the submissions does not count toward it. Last evaluated 2026-05-14.

Conditions:
DOCK8-related disorder. Also called: DOCK8-related condition.
Combined immunodeficiency due to DOCK8 deficiency (HIES2). Also called: HIES autosomal recessive; Hyper-IgE recurrent infection syndrome, autosomal recessive; DOCK8 Deficiency; HYPER-IgE RECURRENT INFECTION SYNDROME 2, AUTOSOMAL RECESSIVE; HYPER-IgE SYNDROME 2, AUTOSOMAL RECESSIVE, WITH RECURRENT INFECTIONS. Identifiers: Orphanet 217390, MedGen C4722305, MONDO:0009478, OMIM 243700.

Allele frequency attached by ClinVar (database versions not stated): ExAC 0.00002; gnomAD 0.00002 and 0.00003; gnomAD exomes 0.00002 and 0.00003; TOPMed 0.00002; ESP Exome Variant Server 0.00015; 1000 Genomes Project 30x 0.00016; 1000 Genomes Project 0.00020.
gnomAD v4.1: 20 of 1,614,098 alleles (0.0012%); highest among the groups gnomAD compares: Middle Eastern, 0.016%; no homozygotes.

Submissions (5):

Division of Clinical Immunology and Allergy, Necmettin Erbakan University, Faculty of Medicine
Classification: Likely benign for Combined immunodeficiency due to DOCK8 deficiency. Last evaluated: 2026-05-14. Review status: criteria provided, single submitter. Criteria: ACMG Guidelines, 2015. Collection method: clinical testing. Allele origin: germline. Affected: no. Observed: 1 variant allele.

Blueprint Genetics
Classification: Likely benign. Last evaluated: 2024-10-08. Review status: criteria provided, single submitter. Criteria: ACMG Guidelines, 2015. Collection method: clinical testing. Allele origin: germline.

Labcorp Genetics (formerly Invitae), Labcorp
Classification: Likely benign for Combined immunodeficiency due to DOCK8 deficiency. Last evaluated: 2024-01-04. Review status: criteria provided, single submitter. Criteria: Invitae Variant Classification Sherloc (09022015). Collection method: clinical testing. Allele origin: germline.

Illumina Laboratory Services, Illumina
Classification: Uncertain significance for Combined immunodeficiency due to DOCK8 deficiency. Last evaluated: 2018-01-13. Review status: criteria provided, single submitter. Criteria: ICSL Variant Classification Criteria 13 December 2019. Collection method: clinical testing. Allele origin: germline.

PreventionGenetics, part of Exact Sciences
Classification: Likely benign for DOCK8-related condition. Last evaluated: 2019-10-28. Review status: no assertion criteria provided. Collection method: clinical testing. Allele origin: germline. Not counted in ClinVar's aggregate classification.
Comment: This variant is classified as likely benign based on ACMG/AMP sequence variant interpretation guidelines (Richards et al. 2015 PMID: 25741868, with internal and published modifications).

NM_203447.4(DOCK8):c.3270T>C (p.Ile1090=)

Gene: DOCK8 (dedicator of cytokinesis 8; plus strand). Cytogenetic location: 9p24.3.
Variant type: single nucleotide variant.
Coding change: c.3270T>C on transcript NM_203447.4 (MANE Select); coding-DNA position 3270, T replaced by C.
Protein change: p.Ile1090=; no amino-acid change (isoleucine 1090 retained).
Molecular consequence: synonymous variant.
Genome position (GRCh38, 1-based): chr9:404,953, T>C. VCF-style: chr9-404953-T-C. GRCh37 (hg19) VCF-style: chr9-404953-T-C.
Other names: c.2970T>C, p.Ile990= (NM_001190458.2); c.3066T>C, p.Ile1022= (NM_001193536.2).
Identifiers: ClinVar variation 366973 (VCV000366973.18), dbSNP rs377297446, ClinGen allele CA4958625.